The following is an entry in ClinVar:

ClinVar aggregate classification (germline): Uncertain significance (1 of 4 stars; one submission).

gnomAD v4.1: 3 of 1,589,310 alleles (0.00019%); highest among the groups gnomAD compares: Non-Finnish European, 0.00026%; no homozygotes.

Submission:

Ambry Genetics
Classification: Uncertain significance. Last evaluated: 2025-11-03. Review status: criteria provided, single submitter. Criteria: Ambry Variant Classification Scheme 2023. Collection method: clinical testing. Allele origin: germline.
Comment: The p.A1017G variant (also known as c.3050C>G), located in coding exon 11 of the WNK2 gene, results from a C to G substitution at nucleotide position 3050. The alanine at codon 1017 is replaced by glycine, an amino acid with similar properties. This amino acid position is conserved. In addition, this alteration is predicted to be tolerated by in silico analysis. Based on the available evidence, the clinical significance of this variant remains unclear.

NM_006648.4(WNK2):c.3050C>G (p.Ala1017Gly)

Gene: WNK2 (WNK lysine deficient protein kinase 2; plus strand). Cytogenetic location: 9q22.31.
Variant type: single nucleotide variant.
Coding change: c.3050C>G on transcript NM_006648.4 (MANE Select); coding-DNA position 3050, C replaced by G.
Protein change: p.Ala1017Gly; replaces alanine 1017 with glycine.
Molecular consequence: missense variant.
Genome position (GRCh38, 1-based): chr9:93,259,598, C>G. VCF-style: chr9-93259598-C-G. GRCh37 (hg19) VCF-style: chr9-96021880-C-G.
Other names: c.3050C>G, p.Ala1017Gly (NM_001282394.3); short protein forms A1017G.
Identifiers: ClinVar variation 4605331 (VCV004605331.1).